The following is an entry in ClinVar:

ClinVar aggregate classification (germline): Uncertain significance (1 of 4 stars; one submission).

gnomAD v4.1: 2 of 1,311,154 alleles (0.00015%); highest among the groups gnomAD compares: Admixed American, 0.0039%; no homozygotes.

Submission:

Labcorp Genetics (formerly Invitae), Labcorp
Classification: Uncertain significance. Last evaluated: 2022-07-29. Review status: criteria provided, single submitter. Criteria: Invitae Variant Classification Sherloc (09022015). Collection method: clinical testing. Allele origin: germline.
Comment: This sequence change replaces glycine, which is neutral and non-polar, with arginine, which is basic and polar, at codon 1967 of the APC2 protein (p.Gly1967Arg). The frequency data for this variant in the population databases is considered unreliable, as metrics indicate poor data quality at this position in the gnomAD database. This variant has not been reported in the literature in individuals affected with APC2-related conditions. Algorithms developed to predict the effect of missense changes on protein structure and function are either unavailable or do not agree on the potential impact of this missense change (SIFT: "Deleterious"; PolyPhen-2: "Benign"; Align-GVGD: "Class C0"). In summary, the available evidence is currently insufficient to determine the role of this variant in disease. Therefore, it has been classified as a Variant of Uncertain Significance.

NM_005883.3(APC2):c.5899G>A (p.Gly1967Arg)

Gene: APC2 (APC regulator of Wnt signaling pathway 2; plus strand). Cytogenetic location: 19p13.3.
Variant type: single nucleotide variant.
Coding change: c.5899G>A on transcript NM_005883.3 (MANE Select); coding-DNA position 5899, G replaced by A.
Protein change: p.Gly1967Arg; replaces glycine 1967 with arginine.
Molecular consequence: missense variant.
Genome position (GRCh38, 1-based): chr19:1,469,200, G>A. VCF-style: chr19-1469200-G-A. GRCh37 (hg19) VCF-style: chr19-1469199-G-A.
Other names: c.5896G>A, p.Gly1966Arg (NM_001351273.1); short protein forms G1966R, G1967R.
Identifiers: ClinVar variation 1719403 (VCV001719403.5), dbSNP rs1371963460, ClinGen allele CA403042133.